The following is an entry in ClinVar:

ClinVar aggregate classification (germline): Likely benign (0 of 4 stars; one submission).

Conditions:
SOX17-related disorder. Also called: SOX17-related condition.

gnomAD v4.1: 2 of 1,592,884 alleles (0.00013%); highest among the groups gnomAD compares: African/African-American, 0.0027%; no homozygotes.

Submission:

PreventionGenetics, part of Exact Sciences
Classification: Likely benign for SOX17-related condition. Last evaluated: 2021-12-30. Review status: no assertion criteria provided. Collection method: clinical testing. Allele origin: germline.
Comment: This variant is classified as likely benign based on ACMG/AMP sequence variant interpretation guidelines (Richards et al. 2015 PMID: 25741868, with internal and published modifications).

NM_022454.4(SOX17):c.1020G>C (p.Leu340=)

Gene: SOX17 (SRY-box transcription factor 17; plus strand). Cytogenetic location: 8q11.23.
Variant type: single nucleotide variant.
Coding change: c.1020G>C on transcript NM_022454.4 (MANE Select); coding-DNA position 1020, G replaced by C.
Protein change: p.Leu340=; no amino-acid change (leucine 340 retained).
Molecular consequence: synonymous variant.
Genome position (GRCh38, 1-based): chr8:54,459,770, G>C. VCF-style: chr8-54459770-G-C. GRCh37 (hg19) VCF-style: chr8-55372330-G-C.
Identifiers: ClinVar variation 3029106 (VCV003029106.2), dbSNP rs1272321292, ClinGen allele CA461108274.